The following is an entry in ClinVar:

ClinVar aggregate classification (germline): Likely benign (1 of 4 stars; one submission).

Submission:

Mayo Clinic Laboratories, Mayo Clinic
Classification: Likely benign. Last evaluated: 2025-07-14. Review status: criteria provided, single submitter. Criteria: ACMG Guidelines, 2015. Collection method: clinical testing. Allele origin: germline. Observed: 48 variant alleles.
Comment: BP4, BP7

NM_000254.3(MTR):c.2044-12del

Gene: MTR (5-methyltetrahydrofolate-homocysteine methyltransferase; plus strand). Cytogenetic location: 1q43.
Variant type: Deletion.
Coding change: c.2044-12del on transcript NM_000254.3 (MANE Select); 12 bases into the intron before coding-DNA position 2044, one base deleted (T; older notation c.2044-12delT).
Molecular consequence: intron variant.
Genome position (GRCh38, 1-based): chr1:236,861,113, T deleted; the last of 16 consecutive T bases (chr1:236,861,098-236,861,113); deleting any one gives the same sequence. VCF-style (leftmost placement, unchanged base first): chr1-236861097-CT-C. GRCh37 (hg19) VCF-style: chr1-237024397-CT-C.
Other names: p.?; c.2044-1123del (NM_001291939.1); c.2044-12del (NM_001410942.1); c.823-12del (NM_001291940.2).
Identifiers: ClinVar variation 4684363 (VCV004684363.1).